The following is an entry in ClinVar:

NM_000388.4(CASR):c.2777A>G (p.Gln926Arg)

Gene: CASR (calcium sensing receptor; plus strand). Cytogenetic location: 3q21.1.
Variant type: single nucleotide variant.
Coding change: c.2777A>G on transcript NM_000388.4 (MANE Select); coding-DNA position 2777, A replaced by G.
Protein change: p.Gln926Arg; replaces glutamine 926 with arginine.
Molecular consequence: missense variant.
Genome position (GRCh38, 1-based): chr3:122,284,731, A>G. VCF-style: chr3-122284731-A-G. GRCh37 (hg19) VCF-style: chr3-122003578-A-G.
Other names: c.2807A>G, p.Gln936Arg (NM_001178065.2); c.2807A>G (NM_001178065.1); short protein forms Q926R, Q936R.
Identifiers: ClinVar variation 64433 (VCV000064433.49), dbSNP rs200263975, ClinGen allele CA216130.

ClinVar aggregate classification (germline): Conflicting classifications of pathogenicity. Review status: criteria provided, conflicting classifications (1 of 4 stars). 7 submissions from 7 submitters: Uncertain significance (2); Likely benign (3). 2 of the submissions do not count toward it. Last evaluated 2025-12-13.

Conditions:
Familial hypocalciuric hypercalcemia (FHH). Also called: Familial benign hypercalcemia. Identifiers: Orphanet 405, MedGen C1809471, MONDO:0018458.
Autosomal dominant hypocalcemia 1 (HYPOC1). Also called: HYPOCALCEMIA, FAMILIAL. Identifiers: MedGen C3715128, MONDO:0011013, OMIM 601198.
Nephrolithiasis/nephrocalcinosis. Identifiers: MedGen CN580796.
CASR-related disorder. Also called: CASR-related condition.

Allele frequency attached by ClinVar (database versions not stated): TOPMed 0.00012; ExAC 0.00013; ESP Exome Variant Server 0.00008; gnomAD exomes 0.00010 and 0.00011; gnomAD 0.00012.
gnomAD v4.1: 183 of 1,614,044 alleles (0.011%); highest among the groups gnomAD compares: Non-Finnish European, 0.015%; no homozygotes.

Submissions (7):

Labcorp Genetics (formerly Invitae), Labcorp
Classification: Likely benign for Familial hypocalciuric hypercalcemia; Autosomal dominant hypocalcemia 1. Last evaluated: 2025-12-13. Review status: criteria provided, single submitter. Criteria: Invitae Variant Classification Sherloc (09022015). Collection method: clinical testing. Allele origin: germline.

Ambry Genetics
Classification: Likely benign for Nephrolithiasis/nephrocalcinosis. Last evaluated: 2023-02-16. Review status: criteria provided, single submitter. Criteria: Ambry Variant Classification Scheme 2023. Collection method: clinical testing. Allele origin: germline.

Institute for Clinical Genetics, University Hospital TU Dresden, University Hospital TU Dresden
Classification: Uncertain significance. Last evaluated: 2021-11-03. Review status: criteria provided, single submitter. Criteria: ACMG Guidelines, 2015. Collection method: clinical testing. Allele origin: germline.

Athena Diagnostics
Classification: Likely benign. Last evaluated: 2020-06-29. Review status: criteria provided, single submitter. Criteria: Athena Diagnostics Criteria. Collection method: clinical testing. Allele origin: unknown.

CeGaT Center for Human Genetics Tuebingen
Classification: Uncertain significance. Last evaluated: 2018-11-01. Review status: criteria provided, single submitter. Criteria: CeGaT Center For Human Genetics Tuebingen Variant Classification Criteria Version 2. Collection method: clinical testing. Allele origin: germline. Affected: yes. Observed: 1 variant allele.

PreventionGenetics, part of Exact Sciences
Classification: Uncertain significance for CASR-related condition. Last evaluated: 2024-09-10. Review status: no assertion criteria provided. Collection method: clinical testing. Allele origin: germline. Not counted in ClinVar's aggregate classification.
Comment: The CASR c.2807A>G variant is predicted to result in the amino acid substitution p.Gln936Arg. This variant is also referred to as Q926R in the literature. It has been reported in individuals with familial hypocalciuric hypercalcemia and primary hyperparathyroidism (Rus et al. 2008. PubMed ID: 18796518; Frank-Raue et al. 2011. PubMed ID: 21521328; Russell and Antony. 2023. PubMed ID: 38021951) and one individual with primary hyperparathyroidism inherited the variant from an asymptomatic father (Frank-Raue et al. 2011. PubMed ID: 21521328). This variant was also reported in 43 individuals from the DiscovEHR cohort (individuals from the MyCode biobank) and the mean serum calcium concentration was not significantly altered in these individuals (Dershem et al. 2020. PubMed ID: 32386559). In vitro experimental studies of this variant are inconclusive (Rus et al. 2008. PubMed ID: 18796518). This variant is reported in 0.021% of alleles in individuals of European (non-Finnish) descent in a large population database and has been reported in ClinVar with conflicting interpretations including likely benign and a variant of uncertain significance. At this time, the clinical significance of this variant is uncertain due to the absence of conclusive functional and genetic evidence.

Martin Pollak Laboratory,  Beth Israel Deaconess Medical Center
Classification: Uncertain significance. Review status: no assertion criteria provided. Collection method: not provided. Allele origin: unknown. Not counted in ClinVar's aggregate classification.
Comment: Lower UCa2+ group
ClinVar note: Converted during submission from unknown to Uncertain significance.

Literature cited by the submitters: PubMed 18796518 (cited by Ambry Genetics and Athena Diagnostics); PubMed 21521328 (cited by Ambry Genetics and Athena Diagnostics); PubMed 32347971 (cited by Athena Diagnostics).